The following is an entry in ClinVar:

NM_003924.4(PHOX2B):c.359C>G (p.Thr120Ser)

Gene: PHOX2B (paired like homeobox 2B; minus strand). Cytogenetic location: 4p13.
Variant type: single nucleotide variant.
Coding change: c.359C>G on transcript NM_003924.4 (MANE Select); coding-DNA position 359, C replaced by G.
Protein change: p.Thr120Ser; replaces threonine 120 with serine.
Molecular consequence: missense variant.
Genome position (GRCh38, 1-based): chr4:41,747,419, G>C on the plus strand (C>G on the coding strand, the complement: PHOX2B is on the minus strand). VCF-style: chr4-41747419-G-C. GRCh37 (hg19) VCF-style: chr4-41749436-G-C.
Other names: short protein forms T120S.
Identifiers: ClinVar variation 5026601 (VCV005026601.1).

ClinVar aggregate classification (germline): Uncertain significance (1 of 4 stars; one submission).

Conditions:
Hereditary cancer-predisposing syndrome. Also called: Neoplastic Syndromes, Hereditary; Tumor predisposition; Hereditary neoplastic syndrome; Hereditary Cancer Syndrome. Identifiers: Orphanet 140162, MedGen C0027672, MeSH D009386, MONDO:0015356.

Submission:

Ambry Genetics
Classification: Uncertain significance for Hereditary cancer-predisposing syndrome. Last evaluated: 2026-07-07. Review status: criteria provided, single submitter. Criteria: Ambry Variant Classification Scheme 2023. Collection method: clinical testing. Allele origin: germline.
Comment: The p.T120S variant (also known as c.359C>G), located in coding exon 2 of the PHOX2B gene, results from a C to G substitution at nucleotide position 359. The threonine at codon 120 is replaced by serine, an amino acid with similar properties. This amino acid position is conserved. In addition, this alteration is predicted to be deleterious by in silico analysis. Based on the available evidence, the clinical significance of this variant remains unclear.